The following is an entry in ClinVar:

ClinVar aggregate classification (germline): Uncertain significance (1 of 4 stars; one submission).

Allele frequency attached by ClinVar (database versions not stated): ExAC 0.00001; ESP Exome Variant Server 0.00008.

Submission:

Labcorp Genetics (formerly Invitae), Labcorp
Classification: Uncertain significance. Last evaluated: 2022-05-13. Review status: criteria provided, single submitter. Criteria: Invitae Variant Classification Sherloc (09022015). Collection method: clinical testing. Allele origin: germline.
Comment: This sequence change replaces isoleucine, which is neutral and non-polar, with methionine, which is neutral and non-polar, at codon 161 of the TEAD1 protein (p.Ile161Met). This variant is present in population databases (rs375142186, gnomAD 0.007%). This variant has not been reported in the literature in individuals affected with TEAD1-related conditions. Algorithms developed to predict the effect of missense changes on protein structure and function are either unavailable or do not agree on the potential impact of this missense change (SIFT: "Deleterious"; PolyPhen-2: "Benign"; Align-GVGD: "Class C0"). In summary, the available evidence is currently insufficient to determine the role of this variant in disease. Therefore, it has been classified as a Variant of Uncertain Significance.

NM_021961.6(TEAD1):c.483T>G (p.Ile161Met)

Gene: TEAD1 (TEA domain transcription factor 1; plus strand). Cytogenetic location: 11p15.3.
Variant type: single nucleotide variant.
Coding change: c.483T>G on transcript NM_021961.6 (MANE Select); coding-DNA position 483, T replaced by G.
Protein change: p.Ile161Met; replaces isoleucine 161 with methionine.
Molecular consequence: missense variant.
Genome position (GRCh38, 1-based): chr11:12,881,022, T>G. VCF-style: chr11-12881022-T-G. GRCh37 (hg19) VCF-style: chr11-12902569-T-G.
Other names: short protein forms I161M.
Identifiers: ClinVar variation 1994117 (VCV001994117.4), dbSNP rs375142186, ClinGen allele CA5891620.